The following is an entry in ClinVar:

NM_002878.4(RAD51D):c.631G>T (p.Val211Leu)

Genes: RAD51D (RAD51 paralog D; minus strand), RAD51L3-RFFL (RAD51L3-RFFL readthrough; minus strand). Cytogenetic location: 17q12.
Variant type: single nucleotide variant.
Coding change: c.631G>T on transcript NM_002878.4 (MANE Select); coding-DNA position 631, G replaced by T.
Protein change: p.Val211Leu; replaces valine 211 with leucine.
Molecular consequence: missense variant. On other transcripts: non-coding transcript variant (3).
Genome position (GRCh38, 1-based): chr17:35,103,490, C>A on the plus strand (G>T on the coding strand, the complement: RAD51D is on the minus strand). VCF-style: chr17-35103490-C-A. GRCh37 (hg19) VCF-style: chr17-33430509-C-A.
Other names: c.691G>T, p.Val231Leu (NM_001142571.2); c.295G>T, p.Val99Leu (NM_133629.3); short protein forms V99L, V211L, V231L.
Identifiers: ClinVar variation 1752842 (VCV001752842.2), dbSNP rs1567726508, ClinGen allele CA399087896.
Genomic context (GRCh38, chr17:35,103,490, plus strand): 5'-CCCAGGCTCTGCCACATCACTCACCTTCCCTCTGCTGACCTCCCAGAAGTGGGGAAACCA[C>A]CGCAGTGACCGAGTCCACAACCACCACCTTCACAGTTCCTGAAGAACCAGTCACCTGAAG-3'
Protein context (NP_002869.3, residues 201-221): KVVVVDSVTA[Val211Leu]VSPLLGGQQR

ClinVar aggregate classification (germline): Uncertain significance (1 of 4 stars; one submission).

Conditions:
Hereditary cancer-predisposing syndrome. Also called: Neoplastic Syndromes, Hereditary; Tumor predisposition; Hereditary Cancer Syndrome; Hereditary neoplastic syndrome. Identifiers: Orphanet 140162, MedGen C0027672, MeSH D009386, MONDO:0015356.

Submission:

Ambry Genetics
Classification: Uncertain significance for Hereditary cancer-predisposing syndrome. Last evaluated: 2021-12-15. Review status: criteria provided, single submitter. Criteria: Ambry Variant Classification Scheme 2023. Collection method: clinical testing. Allele origin: germline.
Comment: The p.V211L variant (also known as c.631G>T), located in coding exon 7 of the RAD51D gene, results from a G to T substitution at nucleotide position 631. The valine at codon 211 is replaced by leucine, an amino acid with highly similar properties. This amino acid position is conserved. In addition, the in silico prediction for this alteration is inconclusive. Since supporting evidence is limited at this time, the clinical significance of this alteration remains unclear.